The following is an entry in ClinVar:

NM_015335.5(MED13L):c.3818C>T (p.Thr1273Met)

Gene: MED13L (mediator complex subunit 13L; minus strand). Cytogenetic location: 12q24.21.
Variant type: single nucleotide variant.
Coding change: c.3818C>T on transcript NM_015335.5 (MANE Select); coding-DNA position 3818, C replaced by T.
Protein change: p.Thr1273Met; replaces threonine 1273 with methionine.
Molecular consequence: missense variant.
Genome position (GRCh38, 1-based): chr12:115,991,136, G>A on the plus strand (C>T on the coding strand, the complement: MED13L is on the minus strand). VCF-style: chr12-115991136-G-A. GRCh37 (hg19) VCF-style: chr12-116428941-G-A.
Other names: short protein forms T1273M.
Identifiers: ClinVar variation 1699470 (VCV001699470.6), dbSNP rs775807063, ClinGen allele CA386886445.

ClinVar aggregate classification (germline): Uncertain significance. Review status: criteria provided, multiple submitters, no conflicts (2 of 4 stars). 2 submissions from 2 submitters: Uncertain significance (2). Last evaluated 2024-10-23.

Conditions:
Cardiac anomalies - developmental delay - facial dysmorphism syndrome (MRFACD). Also called: Impaired intellectual development and distinctive facial features with or without cardiac defects; MED13L Syndrome. Identifiers: Orphanet 369891, MedGen C5192431, MONDO:0014773, OMIM 616789.
Dextro-looped transposition of the great arteries. Also called: Dextrotransposition of the great arteries. Identifiers: Orphanet 860, MedGen C3531771, MONDO:0019443, OMIM 608808, HP:0031348.

Allele frequency attached by ClinVar (database versions not stated): gnomAD 0.00001; TOPMed 0.00002.
gnomAD v4.1: 14 of 1,613,994 alleles (0.00087%); highest among the groups gnomAD compares: Admixed American, 0.0033%; no homozygotes.

Submissions (2):

Labcorp Genetics (formerly Invitae), Labcorp
Classification: Uncertain significance for Dextro-looped transposition of the great arteries. Last evaluated: 2024-10-23. Review status: criteria provided, single submitter. Criteria: Invitae Variant Classification Sherloc (09022015). Collection method: clinical testing. Allele origin: germline.
Comment: This sequence change replaces threonine, which is neutral and polar, with methionine, which is neutral and non-polar, at codon 1273 of the MED13L protein (p.Thr1273Met). This variant is present in population databases (no rsID available, gnomAD 0.003%). This variant has not been reported in the literature in individuals affected with MED13L-related conditions. ClinVar contains an entry for this variant (Variation ID: 1699470). Invitae Evidence Modeling of protein sequence and biophysical properties (such as structural, functional, and spatial information, amino acid conservation, physicochemical variation, residue mobility, and thermodynamic stability) indicates that this missense variant is not expected to disrupt MED13L protein function with a negative predictive value of 80%. In summary, the available evidence is currently insufficient to determine the role of this variant in disease. Therefore, it has been classified as a Variant of Uncertain Significance.

Victorian Clinical Genetics Services, Murdoch Childrens Research Institute
Classification: Uncertain significance for Cardiac anomalies - developmental delay - facial dysmorphism syndrome. Last evaluated: 2020-05-25. Review status: criteria provided, single submitter. Criteria: ACMG Guidelines, 2015. Collection method: clinical testing. Allele origin: germline. Inheritance: Autosomal dominant inheritance. Affected: yes.
Comment: Based on the classification scheme VCGS_Germline_v1.1.1, this variant is classified as 3C-VUS. Following criteria are met: 0102 - Loss-of-function is a known mechanism of disease for this gene. (N) 0107 - This gene is known to be associated with autosomal dominant disease. (N) 0200 - Variant is predicted to result in a missense amino acid change from a threonine to a methionine (exon 17). (N) 0251 - Variant is heterozygous. (N) 0302 - Variant is present in gnomAD <0.001 for a dominant condition (2 heterozygotes, 0 homozygotes). (P) 0309 - An alternative amino acid change at the same position has been observed in gnomAD (2 heterozygotes, 0 homozygotes). (N) 0503 - Missense variant consistently predicted to be tolerated or not conserved in mammals with a minor amino acid change. (B) 0604 - Variant is not located in an established domain, motif, hotspot or informative constraint region. (N) 0705 - No comparable variants have previous evidence for pathogenicity. (N) 0807 - Variant has not previously been reported in a clinical context. (N) 0905 - No segregation evidence has been identified for this variant. (N) 1007 - No published functional evidence has been identified for this variant. (N) 1208 - Inheritance information for this variant is not currently available. (N) Legend: (P) - Pathogenic, (N) - Neutral, (B) - Benign